The following is an entry in ClinVar:

ClinVar aggregate classification (germline): Uncertain significance. Review status: criteria provided, multiple submitters, no conflicts (2 of 4 stars). 2 submissions from 2 submitters: Uncertain significance (2). Last evaluated 2025-10-15.

Conditions:
Growth hormone insensitivity with immune dysregulation 1, autosomal recessive. Also called: GROWTH HORMONE INSENSITIVITY SYNDROME WITH IMMUNE DYSREGULATION 1, AUTOSOMAL RECESSIVE; GROWTH HORMONE INSENSITIVITY DUE TO POSTRECEPTOR DEFECT; LARON SYNDROME DUE TO POSTRECEPTOR DEFECT; Laron syndrome with immunodeficiency. Identifiers: Orphanet 220465, MedGen C5435698, MONDO:0100211, OMIM 245590.

gnomAD v4.1: 2 of 1,613,830 alleles (0.00012%); highest among the groups gnomAD compares: Non-Finnish European, 0.00017%; no homozygotes.

Submissions (2):

Women's Health and Genetics/Laboratory Corporation of America, LabCorp
Classification: Uncertain significance. Last evaluated: 2025-10-15. Review status: criteria provided, single submitter. Criteria: LabCorp Variant Classification Summary - May 2015. Collection method: clinical testing. Allele origin: germline.
Comment: Variant summary: STAT5B c.362G>T (p.Arg121Leu) results in a non-conservative amino acid change located in the STAT protein interaction domain (IPR013799) of the encoded protein sequence. Algorithms developed to predict the effect of missense changes on protein structure and function are either unavailable or do not agree on the potential impact of this missense change. The variant was absent in 251436 control chromosomes. The available data on variant occurrences in the general population are insufficient to allow any conclusion about variant significance. To our knowledge, no occurrence of c.362G>T in individuals affected with STAT5B-related conditions and no experimental evidence demonstrating its impact on protein function have been reported. ClinVar contains an entry for this variant (Variation ID: 1513318). Based on the evidence outlined above, the variant was classified as uncertain significance.

Labcorp Genetics (formerly Invitae), Labcorp
Classification: Uncertain significance for Growth hormone insensitivity with immune dysregulation 1, autosomal recessive. Last evaluated: 2021-11-06. Review status: criteria provided, single submitter. Criteria: Invitae Variant Classification Sherloc (09022015). Collection method: clinical testing. Allele origin: germline.
Comment: In summary, the available evidence is currently insufficient to determine the role of this variant in disease. Therefore, it has been classified as a Variant of Uncertain Significance. Algorithms developed to predict the effect of missense changes on protein structure and function are either unavailable or do not agree on the potential impact of this missense change (SIFT: "Tolerated"; PolyPhen-2: "Probably Damaging"; Align-GVGD: "Class C0"). This variant has not been reported in the literature in individuals affected with STAT5B-related conditions. This variant is not present in population databases (gnomAD no frequency). This sequence change replaces arginine, which is basic and polar, with leucine, which is neutral and non-polar, at codon 121 of the STAT5B protein (p.Arg121Leu).

NM_012448.4(STAT5B):c.362G>T (p.Arg121Leu)

Gene: STAT5B (signal transducer and activator of transcription 5B; minus strand). Cytogenetic location: 17q21.2.
Variant type: single nucleotide variant.
Coding change: c.362G>T on transcript NM_012448.4 (MANE Select); coding-DNA position 362, G replaced by T.
Protein change: p.Arg121Leu; replaces arginine 121 with leucine.
Molecular consequence: missense variant.
Genome position (GRCh38, 1-based): chr17:42,224,792, C>A on the plus strand (G>T on the coding strand, the complement: STAT5B is on the minus strand). VCF-style: chr17-42224792-C-A. GRCh37 (hg19) VCF-style: chr17-40376810-C-A.
Other names: short protein forms R121L.
Identifiers: ClinVar variation 1513318 (VCV001513318.7), dbSNP rs758843144, ClinGen allele CA399590680.